The following is an entry in ClinVar:

ClinVar aggregate classification (germline): Uncertain significance (1 of 4 stars; one submission).

Conditions:
Bardet-Biedl syndrome (BBS). Identifiers: Orphanet 110, MedGen C0752166, MONDO:0015229.

Allele frequency attached by ClinVar (database versions not stated): gnomAD 0.00001 and 0.00002; TOPMed 0.00001; gnomAD exomes 0.00002 and 0.00003; ExAC 0.00003.

Submission:

Labcorp Genetics (formerly Invitae), Labcorp
Classification: Uncertain significance for Bardet-Biedl syndrome. Last evaluated: 2022-09-13. Review status: criteria provided, single submitter. Criteria: Invitae Variant Classification Sherloc (09022015). Collection method: clinical testing. Allele origin: germline.
Comment: This variant, c.1918_1920dup, results in the insertion of 1 amino acid(s) of the BBS9 protein (p.Ile640dup), but otherwise preserves the integrity of the reading frame. This variant is present in population databases (rs761174142, gnomAD 0.03%). This variant has not been reported in the literature in individuals affected with BBS9-related conditions. ClinVar contains an entry for this variant (Variation ID: 1004080). Experimental studies and prediction algorithms are not available or were not evaluated, and the functional significance of this variant is currently unknown. In summary, the available evidence is currently insufficient to determine the role of this variant in disease. Therefore, it has been classified as a Variant of Uncertain Significance.

NM_198428.3(BBS9):c.1918_1920dup (p.Ile640dup)

Gene: BBS9 (Bardet-Biedl syndrome 9; plus strand). Cytogenetic location: 7p14.3.
Variant type: Duplication.
Coding change: c.1918_1920dup on transcript NM_198428.3 (MANE Select); coding-DNA positions 1918 to 1920, 3 bases duplicated (ATA; older notation c.1918_1920dupATA).
Protein change: p.Ile640dup; duplicates isoleucine 640.
Molecular consequence: inframe insertion. On other transcripts: non-coding transcript variant (3).
Genome position (GRCh38, 1-based): chr7:33,383,794-33,383,796, ATA duplicated. VCF-style (leftmost placement, unchanged base first): chr7-33383793-T-TATA. GRCh37 (hg19) VCF-style: chr7-33423405-T-TATA.
Other names: c.1813_1815dup, p.Ile605dup (NM_001033604.2); c.1903_1905dup, p.Ile635dup (NM_001033605.2); c.1918_1920dup, p.Ile640dup (NM_001348036.1, NM_001348041.4, NM_001348043.3 and 1 more transcripts); c.1552_1554dup, p.Ile518dup (NM_001348037.3, NM_001348045.3, NM_001348046.3); c.1645_1647dup, p.Ile549dup (NM_001348038.3); c.1540_1542dup, p.Ile514dup (NM_001348039.3); c.1798_1800dup, p.Ile600dup (NM_001348040.3, NM_014451.4); c.1783_1785dup, p.Ile595dup (NM_001348042.3); and 1 more.
Identifiers: ClinVar variation 1004080 (VCV001004080.6), dbSNP rs761174142, ClinGen allele CA4214543.